The following is an entry in ClinVar:

NM_000113.3(TOR1A):c.955T>C (p.Cys319Arg)

Gene: TOR1A (torsin family 1 member A; minus strand). Cytogenetic location: 9q34.11.
Variant type: single nucleotide variant.
Coding change: c.955T>C on transcript NM_000113.3 (MANE Select); coding-DNA position 955, T replaced by C.
Protein change: p.Cys319Arg; replaces cysteine 319 with arginine.
Molecular consequence: missense variant.
Genome position (GRCh38, 1-based): chr9:129,814,016, A>G on the plus strand (T>C on the coding strand, the complement: TOR1A is on the minus strand). VCF-style: chr9-129814016-A-G. GRCh37 (hg19) VCF-style: chr9-132576295-A-G.
Other names: short protein forms C319R.
Identifiers: ClinVar variation 3685114 (VCV003685114.2).

ClinVar aggregate classification (germline): Uncertain significance (1 of 4 stars; one submission).

Conditions:
Dystonic disorder. Also called: Dystonia. Identifiers: MedGen C0013421, MONDO:0003441, HP:0001332.

Submission:

Labcorp Genetics (formerly Invitae), Labcorp
Classification: Uncertain significance for Dystonic disorder. Last evaluated: 2024-04-24. Review status: criteria provided, single submitter. Criteria: Invitae Variant Classification Sherloc (09022015). Collection method: clinical testing. Allele origin: germline.
Comment: This sequence change replaces cysteine, which is neutral and slightly polar, with arginine, which is basic and polar, at codon 319 of the TOR1A protein (p.Cys319Arg). This variant is not present in population databases (gnomAD no frequency). This variant has not been reported in the literature in individuals affected with TOR1A-related conditions. Advanced modeling of protein sequence and biophysical properties (such as structural, functional, and spatial information, amino acid conservation, physicochemical variation, residue mobility, and thermodynamic stability) performed at Invitae indicates that this missense variant is expected to disrupt TOR1A protein function with a positive predictive value of 80%. In summary, the available evidence is currently insufficient to determine the role of this variant in disease. Therefore, it has been classified as a Variant of Uncertain Significance.